The following is an entry in ClinVar:

ClinVar aggregate classification (germline): Uncertain significance (1 of 4 stars; one submission).

Submission:

GeneDx
Classification: Uncertain significance. Last evaluated: 2021-06-14. Review status: criteria provided, single submitter. Criteria: GeneDx Variant Classification Process June 2021. Collection method: clinical testing. Allele origin: germline. Affected: yes.
Comment: Has not been previously published as pathogenic or benign to our knowledge; Not observed at significant frequency in large population cohorts (Lek et al., 2016); Missense variant in a gene in which most reported pathogenic variants are truncating/loss-of-function

NM_001267550.2(TTN):c.82257G>C (p.Gln27419His)

Genes: TTN (titin; minus strand), TTN-AS1 (TTN antisense RNA 1; plus strand). Cytogenetic location: 2q31.2.
Variant type: single nucleotide variant.
Coding change: c.82257G>C on transcript NM_001267550.2 (MANE Select); coding-DNA position 82257, G replaced by C.
Protein change: p.Gln27419His; replaces glutamine 27419 with histidine.
Molecular consequence: missense variant.
Genome position (GRCh38, 1-based): chr2:178,563,875, C>G on the plus strand (G>C on the coding strand, the complement: TTN is on the minus strand). VCF-style: chr2-178563875-C-G. GRCh37 (hg19) VCF-style: chr2-179428602-C-G.
Other names: c.77334G>C, p.Gln25778His (NM_001256850.1); c.55062G>C, p.Gln18354His (NM_003319.4); c.74553G>C, p.Gln24851His (NM_133378.4); c.55437G>C, p.Gln18479His (NM_133432.3); c.55638G>C, p.Gln18546His (NM_133437.4); short protein forms Q18354H, Q18479H, Q18546H, Q24851H, Q25778H, Q27419H.
Identifiers: ClinVar variation 1328601 (VCV001328601.2), dbSNP rs2154161714, ClinGen allele CA349574554.